The following is an entry in ClinVar:

ClinVar aggregate classification (germline): Uncertain significance. Review status: criteria provided, multiple submitters, no conflicts (2 of 4 stars). 5 submissions from 5 submitters: Uncertain significance (5). Last evaluated 2025-08-11.

Conditions:
Hereditary cancer-predisposing syndrome. Also called: Neoplastic Syndromes, Hereditary; Tumor predisposition; Hereditary Cancer Syndrome; Hereditary neoplastic syndrome. Identifiers: Orphanet 140162, MedGen C0027672, MeSH D009386, MONDO:0015356.
Nijmegen breakage syndrome-like disorder (NBSLD). Also called: MICROCEPHALY AND SPONTANEOUS CHROMOSOME INSTABILITY WITHOUT IMMUNODEFICIENCY; NBS-LIKE DISORDER; RAD50 DEFICIENCY. Identifiers: Orphanet 240760, MedGen C2751318, MONDO:0013118, OMIM 613078.

Allele frequency attached by ClinVar (database versions not stated): gnomAD exomes below 0.00001 and 0.00001; ExAC 0.00001; gnomAD 0.00001; TOPMed 0.00001.
gnomAD v4.1: 8 of 1,613,312 alleles (0.0005%); highest among the groups gnomAD compares: Non-Finnish European, 0.00068%; no homozygotes.

Submissions (5):

Labcorp Genetics (formerly Invitae), Labcorp
Classification: Uncertain significance for Hereditary cancer-predisposing syndrome. Last evaluated: 2025-08-11. Review status: criteria provided, single submitter. Criteria: Invitae Variant Classification Sherloc (09022015). Collection method: clinical testing. Allele origin: germline.
Comment: This sequence change replaces isoleucine, which is neutral and non-polar, with threonine, which is neutral and polar, at codon 1064 of the RAD50 protein (p.Ile1064Thr). This variant is present in population databases (rs780264599, gnomAD 0.002%). This variant has not been reported in the literature in individuals affected with RAD50-related conditions. ClinVar contains an entry for this variant (Variation ID: 457437). Invitae Evidence Modeling of protein sequence and biophysical properties (such as structural, functional, and spatial information, amino acid conservation, physicochemical variation, residue mobility, and thermodynamic stability) indicates that this missense variant is not expected to disrupt RAD50 protein function with a negative predictive value of 80%. In summary, the available evidence is currently insufficient to determine the role of this variant in disease. Therefore, it has been classified as a Variant of Uncertain Significance.

Ambry Genetics
Classification: Uncertain significance for Hereditary cancer-predisposing syndrome. Last evaluated: 2024-05-14. Review status: criteria provided, single submitter. Criteria: Ambry Variant Classification Scheme 2023. Collection method: clinical testing. Allele origin: germline.
Comment: The p.I1064T variant (also known as c.3191T>C), located in coding exon 21 of the RAD50 gene, results from a T to C substitution at nucleotide position 3191. The isoleucine at codon 1064 is replaced by threonine, an amino acid with similar properties. This amino acid position is well conserved in available vertebrate species. In addition, the in silico prediction for this alteration is inconclusive. Since supporting evidence is limited at this time, the clinical significance of this alteration remains unclear.

Fulgent Genetics
Classification: Uncertain significance for Nijmegen breakage syndrome-like disorder. Last evaluated: 2024-04-12. Review status: criteria provided, single submitter. Criteria: ACMG Guidelines, 2015. Collection method: clinical testing. Allele origin: germline.

Quest Diagnostics Nichols Institute San Juan Capistrano
Classification: Uncertain significance. Last evaluated: 2023-05-23. Review status: criteria provided, single submitter. Criteria: Quest Diagnostics criteria. Collection method: clinical testing. Allele origin: unknown.
Comment: In the published literature, this variant has been reported in an individual with breast cancer (PMID: 33471991 (2021), see also LOVD). The frequency of this variant in the general population, 0.000004 (1/250930 chromosomes (Genome Aggregation Database)), is uninformative in the assessment of its pathogenicity. Analysis of this variant using bioinformatics tools for the prediction of the effect of amino acid changes on protein structure and function yielded conflicting predictions that this variant is benign or damaging. Based on the available information, we are unable to determine the clinical significance of this variant.

Sema4
Classification: Uncertain significance for Nijmegen breakage syndrome-like disorder. Last evaluated: 2022-03-06. Review status: criteria provided, single submitter. Criteria: Sema4 Curation Guidelines. Collection method: curation. Allele origin: germline.
Comment: The RAD50 c.3191T>C (p.I1064T) variant has been reported in at least one individual with breast cancer (PMID: 33471991). It was observed in 1/113506 chromosomes of the Non-Finnish European subpopulation in the large and broad cohorts of the Genome Aggregation Database (PMID: 32461654). The variant has been reported in ClinVar (Variation ID: 457437). Functional studies have not been performed, and in silico predictions of the variant's effect on protein function are inconclusive. The evidence is insufficient to meet ACMG/AMP criteria for classifying the variant as benign or pathogenic. Thus, the clinical significance of this variant is currently uncertain.

Literature cited by the submitters: PubMed 33471991 (cited by Quest Diagnostics Nichols Institute San Juan Capistrano and Sema4).

NM_005732.4(RAD50):c.3191T>C (p.Ile1064Thr)

Gene: RAD50 (RAD50 double strand break repair protein; plus strand). Cytogenetic location: 5q31.1.
Variant type: single nucleotide variant.
Coding change: c.3191T>C on transcript NM_005732.4 (MANE Select); coding-DNA position 3191, T replaced by C.
Protein change: p.Ile1064Thr; replaces isoleucine 1064 with threonine.
Molecular consequence: missense variant.
Genome position (GRCh38, 1-based): chr5:132,618,096, T>C. VCF-style: chr5-132618096-T-C. GRCh37 (hg19) VCF-style: chr5-131953788-T-C.
Other names: short protein forms I1064T.
Identifiers: ClinVar variation 457437 (VCV000457437.18), dbSNP rs780264599, ClinGen allele CA3405538.
Genomic context (GRCh38, chr5:132,618,096, plus strand): 5'-AATGGTCCTCATTTGTCATTTTTCTTTTTTACAGTGAACATCAGAAGTTGGAAGAGAACA[T>C]AGACAATATAAAAAGAAATCATAATTTGGCATTAGGGCGACAGAAAGGTTATGAAGAAGA-3'
Protein context (NP_005723.2, residues 1054-1074): KSEHQKLEEN[Ile1064Thr]DNIKRNHNLA